The following is an entry in ClinVar:

ClinVar aggregate classification (germline): Uncertain significance (1 of 4 stars; one submission).

Conditions:
Combined oxidative phosphorylation defect type 14. Also called: Combined oxidative phosphorylation deficiency 14. Identifiers: Orphanet 319519, MedGen C4755312, MONDO:0013986, OMIM 614946.

gnomAD v4.1: 2 of 1,614,044 alleles (0.00012%); highest among the groups gnomAD compares: Non-Finnish European, 0.00017%; no homozygotes.

Submission:

Labcorp Genetics (formerly Invitae), Labcorp
Classification: Uncertain significance for Combined oxidative phosphorylation defect type 14. Last evaluated: 2024-11-04. Review status: criteria provided, single submitter. Criteria: Invitae Variant Classification Sherloc (09022015). Collection method: clinical testing. Allele origin: germline.
Comment: This sequence change replaces isoleucine, which is neutral and non-polar, with valine, which is neutral and non-polar, at codon 326 of the FARS2 protein (p.Ile326Val). This variant is not present in population databases (gnomAD no frequency). This variant has not been reported in the literature in individuals affected with FARS2-related conditions. Invitae Evidence Modeling of protein sequence and biophysical properties (such as structural, functional, and spatial information, amino acid conservation, physicochemical variation, residue mobility, and thermodynamic stability) has been performed for this missense variant. However, the output from this modeling did not meet the statistical confidence thresholds required to predict the impact of this variant on FARS2 protein function. In summary, the available evidence is currently insufficient to determine the role of this variant in disease. Therefore, it has been classified as a Variant of Uncertain Significance.

NM_006567.5(FARS2):c.976A>G (p.Ile326Val)

Gene: FARS2 (phenylalanyl-tRNA synthetase 2, mitochondrial; plus strand). Cytogenetic location: 6p25.1.
Variant type: single nucleotide variant.
Coding change: c.976A>G on transcript NM_006567.5 (MANE Select); coding-DNA position 976, A replaced by G.
Protein change: p.Ile326Val; replaces isoleucine 326 with valine.
Molecular consequence: missense variant.
Genome position (GRCh38, 1-based): chr6:5,545,251, A>G. VCF-style: chr6-5545251-A-G. GRCh37 (hg19) VCF-style: chr6-5545484-A-G.
Other names: c.976A>G, p.Ile326Val (NM_001318872.2, NM_001374875.1, NM_001374876.1 and 4 more transcripts); c.844A>G, p.Ile282Val (NM_001375258.1); c.280A>G, p.Ile94Val (NM_001375259.1, NM_001375260.1); short protein forms I94V, I282V, I326V.
Identifiers: ClinVar variation 3721145 (VCV003721145.2).
Genomic context (GRCh38, chr6:5,545,251, plus strand): 5'-GACCGAATCGGCTGGGCTTTTGGCCTAGGATTAGAAAGGCTAGCCATGATCCTCTACGAC[A>G]TCCCTGATATCCGTCTCTTCTGGTGTGAGGACGAGCGCTTCCTGAAGCAGTTCTGTGTAT-3'
Protein context (NP_006558.1, residues 316-336): LERLAMILYD[Ile326Val]PDIRLFWCED